The following is an entry in ClinVar:

NM_000057.4(BLM):c.2284C>T (p.Leu762Phe)

Gene: BLM (BLM RecQ like helicase; plus strand). Cytogenetic location: 15q26.1.
Variant type: single nucleotide variant.
Coding change: c.2284C>T on transcript NM_000057.4 (MANE Select); coding-DNA position 2284, C replaced by T.
Protein change: p.Leu762Phe; replaces leucine 762 with phenylalanine.
Molecular consequence: missense variant.
Genome position (GRCh38, 1-based): chr15:90,767,000, C>T. VCF-style: chr15-90767000-C-T. GRCh37 (hg19) VCF-style: chr15-91310230-C-T.
Other names: c.1159C>T, p.Leu387Phe (NM_001287248.2); c.2284C>T, p.Leu762Phe (NM_001287246.2, NM_001287247.2); short protein forms L762F, L387F.
Identifiers: ClinVar variation 1788990 (VCV001788990.2), dbSNP rs2505447439, ClinGen allele CA393844961.

ClinVar aggregate classification (germline): Uncertain significance (1 of 4 stars; one submission).

Conditions:
Hereditary cancer-predisposing syndrome. Also called: Hereditary Cancer Syndrome; Hereditary neoplastic syndrome; Tumor predisposition; Neoplastic Syndromes, Hereditary. Identifiers: Orphanet 140162, MedGen C0027672, MeSH D009386, MONDO:0015356.

Allele frequency attached by ClinVar (database versions not stated): gnomAD exomes below 0.00001.
gnomAD v4.1: 1 of 1,575,594 alleles (0.000063%); highest among the groups gnomAD compares: South Asian, 0.0011%; no homozygotes.

Submission:

Ambry Genetics
Classification: Uncertain significance for Hereditary cancer-predisposing syndrome. Last evaluated: 2021-12-20. Review status: criteria provided, single submitter. Criteria: Ambry Variant Classification Scheme 2023. Collection method: clinical testing. Allele origin: germline.
Comment: The p.L762F variant (also known as c.2284C>T), located in coding exon 9 of the BLM gene, results from a C to T substitution at nucleotide position 2284. The leucine at codon 762 is replaced by phenylalanine, an amino acid with highly similar properties. This amino acid position is conserved. In addition, this alteration is predicted to be deleterious by in silico analysis. Since supporting evidence is limited at this time, the clinical significance of this alteration remains unclear.